The following is an entry in ClinVar:

ClinVar aggregate classification (germline): Uncertain significance (1 of 4 stars; one submission).

Submission:

Labcorp Genetics (formerly Invitae), Labcorp
Classification: Uncertain significance. Last evaluated: 2024-06-09. Review status: criteria provided, single submitter. Criteria: Invitae Variant Classification Sherloc (09022015). Collection method: clinical testing. Allele origin: germline.
Comment: This sequence change creates a premature translational stop signal (p.Leu352*) in the ANKRD26 gene. It is expected to result in an absent or disrupted protein product. However, the current clinical and genetic evidence is not sufficient to establish whether loss-of-function variants in ANKRD26 cause disease. This variant is not present in population databases (gnomAD no frequency). This variant has not been reported in the literature in individuals affected with ANKRD26-related conditions. In summary, the available evidence is currently insufficient to determine the role of this variant in disease. Therefore, it has been classified as a Variant of Uncertain Significance.

NM_014915.3(ANKRD26):c.1055del (p.Ser351_Leu352insTer)

Gene: ANKRD26 (ankyrin repeat domain 26; minus strand). Cytogenetic location: 10p12.1.
Variant type: Deletion.
Coding change: c.1055del on transcript NM_014915.3 (MANE Select); coding-DNA position 1055, one base deleted (T; older notation c.1055delT).
Protein change: p.Ser351_Leu352insTer.
Molecular consequence: nonsense.
Genome position (GRCh38, 1-based): chr10:27,077,360, A deleted on the plus strand (T on the coding strand, the reverse complement: ANKRD26 is on the minus strand); the first of 2 consecutive A bases (chr10:27,077,360-27,077,361); deleting either gives the same sequence. VCF-style (leftmost placement, unchanged base first): chr10-27077359-TA-T. GRCh37 (hg19) VCF-style: chr10-27366288-TA-T.
Other names: c.1055del, p.Ser351_Leu352insTer (NM_001256053.2).
Identifiers: ClinVar variation 3655338 (VCV003655338.2).